The following is an entry in ClinVar:

ClinVar aggregate classification (germline): Uncertain significance. Review status: criteria provided, multiple submitters, no conflicts (2 of 4 stars). 2 submissions from 2 submitters: Uncertain significance (2). Last evaluated 2025-05-22.

Conditions:
Cardiovascular phenotype. Identifiers: MedGen CN230736.
Hereditary cancer-predisposing syndrome. Also called: Hereditary Cancer Syndrome; Hereditary neoplastic syndrome; Neoplastic Syndromes, Hereditary; Tumor predisposition. Identifiers: Orphanet 140162, MedGen C0027672, MeSH D009386, MONDO:0015356.

Submissions (2):

Labcorp Genetics (formerly Invitae), Labcorp
Classification: Uncertain significance. Last evaluated: 2025-05-22. Review status: criteria provided, single submitter. Criteria: Invitae Variant Classification Sherloc (09022015). Collection method: clinical testing. Allele origin: germline.
Comment: This sequence change falls in intron 9 of the LZTR1 gene. It does not directly change the encoded amino acid sequence of the LZTR1 protein. It affects a nucleotide within the consensus splice site. This variant is not present in population databases (gnomAD no frequency). This variant has not been reported in the literature in individuals affected with LZTR1-related conditions. ClinVar contains an entry for this variant (Variation ID: 1768651). Variants that disrupt the consensus splice site are a relatively common cause of aberrant splicing (PMID: 17576681, 9536098). Algorithms developed to predict the effect of sequence changes on RNA splicing suggest that this variant may disrupt the consensus splice site. In summary, the available evidence is currently insufficient to determine the role of this variant in disease. Therefore, it has been classified as a Variant of Uncertain Significance.

Ambry Genetics
Classification: Uncertain significance for Cardiovascular phenotype; Hereditary cancer-predisposing syndrome. Last evaluated: 2022-01-27. Review status: criteria provided, single submitter. Criteria: Ambry Variant Classification Scheme 2023. Collection method: clinical testing. Allele origin: germline.
Comment: The c.993+5G>C intronic variant results from a G to C substitution 5 nucleotides after coding exon 9 in the LZTR1 gene. This nucleotide position is well conserved in available vertebrate species. In silico splice site analysis for this alteration is inconclusive. Since supporting evidence is limited at this time, the clinical significance of this alteration remains unclear.

Literature cited by the submitters: PubMed 17576681 (cited by Labcorp Genetics (formerly Invitae), Labcorp); PubMed 9536098 (cited by Labcorp Genetics (formerly Invitae), Labcorp).

NM_006767.4(LZTR1):c.993+5G>C

Gene: LZTR1 (leucine zipper like post translational regulator 1; plus strand). Cytogenetic location: 22q11.21.
Variant type: single nucleotide variant.
Coding change: c.993+5G>C on transcript NM_006767.4 (MANE Select); 5 bases into the intron after coding-DNA position 993, G replaced by C.
Molecular consequence: intron variant.
Genome position (GRCh38, 1-based): chr22:20,991,834, G>C. VCF-style: chr22-20991834-G-C. GRCh37 (hg19) VCF-style: chr22-21346123-G-C.
Identifiers: ClinVar variation 1768651 (VCV001768651.3), dbSNP rs1601719618, ClinGen allele CA2396640773.
Genomic context (GRCh38, chr22:20,991,834, plus strand): 5'-GCTATGACGTGGACTTCCAGACCTGGGAGGTCGTCCAGCCCAGCTCCGACAGCGAGGTGA[G>C]GGTGCCCAGGGGTGTCCTGACCTGCCAGCTGGACACCAGTAGCTCCTACCCTGCTCCCAC-3'